The following is an entry in ClinVar:

ClinVar aggregate classification (germline): Pathogenic. Review status: criteria provided, multiple submitters, no conflicts (2 of 4 stars). 2 submissions from 2 submitters: Pathogenic (2). Last evaluated 2024-07-15.

Conditions:
Hypertrophic cardiomyopathy. Also called: HYPERTROPHIC MYOCARDIOPATHY. Identifiers: Orphanet 217569, MedGen C0007194, MeSH D002312, MONDO:0005045, HP:0001639.
Cardiovascular phenotype. Identifiers: MedGen CN230736.

Submissions (2):

Labcorp Genetics (formerly Invitae), Labcorp
Classification: Pathogenic for Hypertrophic cardiomyopathy. Last evaluated: 2024-07-15. Review status: criteria provided, single submitter. Criteria: Invitae Variant Classification Sherloc (09022015). Collection method: clinical testing. Allele origin: germline.
Comment: This sequence change creates a premature translational stop signal (p.Ser424Glyfs*16) in the MYBPC3 gene. It is expected to result in an absent or disrupted protein product. Loss-of-function variants in MYBPC3 are known to be pathogenic (PMID: 19574547). This variant is not present in population databases (gnomAD no frequency). This premature translational stop signal has been observed in individual(s) with hypertrophic cardiomyopathy (PMID: 21750094). This variant is also known as c.1266_1279del14, p.T422fsX18. ClinVar contains an entry for this variant (Variation ID: 1069893). For these reasons, this variant has been classified as Pathogenic.

Ambry Genetics
Classification: Pathogenic for Cardiovascular phenotype. Last evaluated: 2023-11-01. Review status: criteria provided, single submitter. Criteria: Ambry Variant Classification Scheme 2023. Collection method: clinical testing. Allele origin: germline.
Comment: The c.1269_1282del14 pathogenic mutation, located in coding exon 15 of the MYBPC3 gene, results from a deletion of 14 nucleotides at nucleotide positions 1269 to 1282, causing a translational frameshift with a predicted alternate stop codon (p.S424Gfs*16). This variant (also referred to as c.1266_1279del14) has been detected in hypertrophic cardiomyopathy cohorts (Waldm&uuml;ller S et al. Eur J Heart Fail, 2011 Nov;13:1185-92; Harper AR et al. Nat Genet, 2021 Feb;53:135-142). This variant is considered to be rare based on population cohorts in the Genome Aggregation Database (gnomAD). This alteration is expected to result in loss of function by premature protein truncation or nonsense-mediated mRNA decay. As such, this alteration is interpreted as a disease-causing mutation.

Literature cited by the submitters: PubMed 19574547 (cited by Labcorp Genetics (formerly Invitae), Labcorp); PubMed 21750094 (cited by Labcorp Genetics (formerly Invitae), Labcorp and Ambry Genetics); PubMed 33495597 (cited by Ambry Genetics).

NM_000256.3(MYBPC3):c.1269_1282del (p.Ser424fs)

Gene: MYBPC3 (myosin binding protein C3; minus strand). Cytogenetic location: 11p11.2.
Variant type: Deletion.
Coding change: c.1269_1282del on transcript NM_000256.3 (MANE Select); coding-DNA positions 1269 to 1282, 14 bases deleted (CAGCCAGTGCTCAT).
Protein change: p.Ser424fs; shifts the reading frame from serine 424.
Molecular consequence: frameshift variant.
Genome position (GRCh38, 1-based): chr11:47,343,090-47,343,103, ATGAGCACTGGCTG deleted on the plus strand (CAGCCAGTGCTCAT on the coding strand, the reverse complement: MYBPC3 is on the minus strand); deleting any 14 consecutive bases within chr11:47,343,090-47,343,106 gives the same sequence; the c. name uses the placement nearest the transcript's 3' end. VCF-style (leftmost placement, unchanged base first): chr11-47343089-AATGAGCACTGGCTG-A. GRCh37 (hg19) VCF-style: chr11-47364640-AATGAGCACTGGCTG-A.
Other names: c.1269_1282del14 (NM_000256.3); short protein forms S424fs.
Identifiers: ClinVar variation 1069893 (VCV001069893.10), dbSNP rs2142861729, ClinGen allele CA2499220976.
Genomic context (GRCh38, chr11:47,343,089, plus strand): 5'-AAGAGCTCCGTGCTACACTTCTCGCCACCCACCACGCACTGGTAGGCTGCGTCGTCCGCC[AATGAGCACTGGCTG>A]ATGGTCAGGGTACGCTTGGCACCGATGGACTCAAAGATGTACCTGGGTGGGGGCCGCAGG-3'